The following is an entry in ClinVar:

ClinVar aggregate classification (germline): Uncertain significance (1 of 4 stars; one submission).

Allele frequency attached by ClinVar (database versions not stated): TOPMed below 0.00001.

Submission:

Labcorp Genetics (formerly Invitae), Labcorp
Classification: Uncertain significance. Last evaluated: 2022-01-26. Review status: criteria provided, single submitter. Criteria: Invitae Variant Classification Sherloc (09022015). Collection method: clinical testing. Allele origin: germline.
Comment: This sequence change replaces threonine, which is neutral and polar, with asparagine, which is neutral and polar, at codon 520 of the PIGB protein (p.Thr520Asn). This variant is not present in population databases (gnomAD no frequency). This variant has not been reported in the literature in individuals affected with PIGB-related conditions. Algorithms developed to predict the effect of missense changes on protein structure and function are either unavailable or do not agree on the potential impact of this missense change (SIFT: "Tolerated"; PolyPhen-2: "Possibly Damaging"; Align-GVGD: "Class C0"). In summary, the available evidence is currently insufficient to determine the role of this variant in disease. Therefore, it has been classified as a Variant of Uncertain Significance.

NM_004855.5(PIGB):c.1559C>A (p.Thr520Asn)

Genes: CCPG1 (cell cycle progression 1; minus strand), DNAAF4-CCPG1 (DNAAF4-CCPG1 readthrough (NMD candidate); minus strand), PIGB (phosphatidylinositol glycan anchor biosynthesis class B; plus strand). Cytogenetic location: 15q21.3.
Variant type: single nucleotide variant.
Coding change: c.1559C>A on transcript NM_004855.5 (MANE Select); coding-DNA position 1559, C replaced by A.
Protein change: p.Thr520Asn; replaces threonine 520 with asparagine.
Molecular consequence: missense variant. On other transcripts: non-coding transcript variant (1), 3 prime UTR variant (4).
Genome position (GRCh38, 1-based): chr15:55,355,326, C>A. VCF-style: chr15-55355326-C-A. GRCh37 (hg19) VCF-style: chr15-55647524-C-A.
Other names: c.*894G>T (NM_001204450.2, NM_001204451.2); c.*4173G>T (NM_004748.6, NM_020739.5); short protein forms T520N.
Identifiers: ClinVar variation 1956110 (VCV001956110.2), dbSNP rs1453830406, ClinGen allele CA392544391.
Genomic context (GRCh38, chr15:55,355,326, plus strand): 5'-AAACATTTATTTGCTTCTAGGAAATAAGCGCTTTCCTAATTTCAAGCAATTATAAAAGAA[C>A]TGCTGTTTTCTTCCACACTCACTTGCCAGAGGGTCGAATTGGAAGTCACATATATGTCTA-3'
Protein context (NP_004846.4, residues 510-530): AFLISSNYKR[Thr520Asn]AVFFHTHLPE